The following is an entry in ClinVar:

NM_005862.3(STAG1):c.524G>T (p.Arg175Leu)

Gene: STAG1 (STAG1 cohesin complex component; minus strand). Cytogenetic location: 3q22.3.
Variant type: single nucleotide variant.
Coding change: c.524G>T on transcript NM_005862.3 (MANE Select); coding-DNA position 524, G replaced by T.
Protein change: p.Arg175Leu; replaces arginine 175 with leucine.
Molecular consequence: missense variant.
Genome position (GRCh38, 1-based): chr3:136,521,365, C>A on the plus strand (G>T on the coding strand, the complement: STAG1 is on the minus strand). VCF-style: chr3-136521365-C-A. GRCh37 (hg19) VCF-style: chr3-136240207-C-A.
Other names: short protein forms R175L.
Identifiers: ClinVar variation 2808131 (VCV002808131.3), dbSNP rs1321480173, ClinGen allele CA354650365.

ClinVar aggregate classification (germline): Uncertain significance (1 of 4 stars; one submission).

Submission:

Labcorp Genetics (formerly Invitae), Labcorp
Classification: Uncertain significance. Last evaluated: 2022-11-15. Review status: criteria provided, single submitter. Criteria: Invitae Variant Classification Sherloc (09022015). Collection method: clinical testing. Allele origin: germline.
Comment: In summary, the available evidence is currently insufficient to determine the role of this variant in disease. Therefore, it has been classified as a Variant of Uncertain Significance. Advanced modeling of protein sequence and biophysical properties (such as structural, functional, and spatial information, amino acid conservation, physicochemical variation, residue mobility, and thermodynamic stability) performed at Invitae indicates that this missense variant is not expected to disrupt STAG1 protein function. This variant has not been reported in the literature in individuals affected with STAG1-related conditions. This variant is not present in population databases (gnomAD no frequency). This sequence change replaces arginine, which is basic and polar, with leucine, which is neutral and non-polar, at codon 175 of the STAG1 protein (p.Arg175Leu).